The following is an entry in ClinVar:

NM_001174096.2(ZEB1):c.737G>A (p.Cys246Tyr)

Gene: ZEB1 (zinc finger E-box binding homeobox 1; plus strand). Cytogenetic location: 10p11.22.
Variant type: single nucleotide variant.
Coding change: c.737G>A on transcript NM_001174096.2 (MANE Select); coding-DNA position 737, G replaced by A.
Protein change: p.Cys246Tyr; replaces cysteine 246 with tyrosine.
Molecular consequence: missense variant.
Genome position (GRCh38, 1-based): chr10:31,514,652, G>A. VCF-style: chr10-31514652-G-A. GRCh37 (hg19) VCF-style: chr10-31803580-G-A.
Other names: c.686G>A, p.Cys229Tyr (NM_001128128.3); c.674G>A, p.Cys225Tyr (NM_001174093.2); c.683G>A, p.Cys228Tyr (NM_001174094.2); c.533G>A, p.Cys178Tyr (NM_001174095.2); c.80G>A, p.Cys27Tyr (NM_001323638.2, NM_001323641.2, NM_001323642.2 and 27 more transcripts); c.512G>A, p.Cys171Tyr (NM_001323674.2); c.470G>A, p.Cys157Tyr (NM_001323675.2); c.695G>A, p.Cys232Tyr (NM_001323676.2); and 3 more; short protein forms C157Y, C225Y, C228Y, C231Y, C27Y, C171Y, C229Y, C232Y.
Identifiers: ClinVar variation 2103756 (VCV002103756.4), dbSNP rs2543772169, ClinGen allele CA376443189.
Genomic context (GRCh38, chr10:31,514,652, plus strand): 5'-TTTTCTTACAGAGACATGTGACGCAGTCTGGGTGTAATCGTAAATTCAAATGCACTGAGT[G>A]TGGAAAAGCTTTCAAATACAAACATCACCTAAAAGAGCACTTAAGAATTCACAGTGGTAA-3'
Protein context (NP_001167567.1, residues 236-256): GCNRKFKCTE[Cys246Tyr]GKAFKYKHHL

ClinVar aggregate classification (germline): Uncertain significance (1 of 4 stars; one submission).

Submission:

Labcorp Genetics (formerly Invitae), Labcorp
Classification: Uncertain significance. Last evaluated: 2022-03-01. Review status: criteria provided, single submitter. Criteria: Invitae Variant Classification Sherloc (09022015). Collection method: clinical testing. Allele origin: germline.
Comment: This sequence change replaces cysteine, which is neutral and slightly polar, with tyrosine, which is neutral and polar, at codon 245 of the ZEB1 protein (p.Cys245Tyr). This variant is not present in population databases (gnomAD no frequency). This variant has not been reported in the literature in individuals affected with ZEB1-related conditions. Algorithms developed to predict the effect of missense changes on protein structure and function (SIFT, PolyPhen-2, Align-GVGD) all suggest that this variant is likely to be disruptive. In summary, the available evidence is currently insufficient to determine the role of this variant in disease. Therefore, it has been classified as a Variant of Uncertain Significance.